The following is an entry in ClinVar:

NM_138425.4(C12orf57):c.130T>A (p.Cys44Ser)

Gene: C12orf57 (chromosome 12 open reading frame 57; plus strand). Cytogenetic location: 12p13.31.
Variant type: single nucleotide variant.
Coding change: c.130T>A on transcript NM_138425.4 (MANE Select); coding-DNA position 130, T replaced by A.
Protein change: p.Cys44Ser; replaces cysteine 44 with serine.
Molecular consequence: missense variant. On other transcripts: non-coding transcript variant (1).
Genome position (GRCh38, 1-based): chr12:6,944,553, T>A. VCF-style: chr12-6944553-T-A. GRCh37 (hg19) VCF-style: chr12-7053716-T-A.
Other names: c.130T>A, p.Cys44Ser (NM_001301834.1, NM_001301837.2); c.91T>A, p.Cys31Ser (NM_001301836.2); c.25T>A, p.Cys9Ser (NM_001301838.2); short protein forms C9S, C31S, C44S.
Identifiers: ClinVar variation 2043094 (VCV002043094.2), dbSNP rs1945745041, ClinGen allele CA383744493.

ClinVar aggregate classification (germline): Uncertain significance (1 of 4 stars; one submission).

Conditions:
Temtamy syndrome (TEMTYS). Also called: MENTAL RETARDATION WITH OR WITHOUT CRANIOFACIAL DYSMORPHISM, OCULAR COLOBOMA, OR ABNORMAL CORPUS CALLOSUM. Identifiers: Orphanet 1777, MedGen C1857512, MONDO:0009033, OMIM 218340.

Allele frequency attached by ClinVar (database versions not stated): TOPMed below 0.00001.

Submission:

Labcorp Genetics (formerly Invitae), Labcorp
Classification: Uncertain significance for Temtamy syndrome. Last evaluated: 2023-12-06. Review status: criteria provided, single submitter. Criteria: Invitae Variant Classification Sherloc (09022015). Collection method: clinical testing. Allele origin: germline.
Comment: This sequence change replaces cysteine, which is neutral and slightly polar, with serine, which is neutral and polar, at codon 44 of the C12orf57 protein (p.Cys44Ser). This variant is not present in population databases (gnomAD no frequency). This variant has not been reported in the literature in individuals affected with C12orf57-related conditions. ClinVar contains an entry for this variant (Variation ID: 2043094). An algorithm developed to predict the effect of missense changes on protein structure and function (PolyPhen-2) suggests that this variant is likely to be disruptive. In summary, the available evidence is currently insufficient to determine the role of this variant in disease. Therefore, it has been classified as a Variant of Uncertain Significance.